The following is an entry in ClinVar:

NM_006231.4(POLE):c.1359+6T>C

Gene: POLE (DNA polymerase epsilon, catalytic subunit; minus strand). Cytogenetic location: 12q24.33.
Variant type: single nucleotide variant.
Coding change: c.1359+6T>C on transcript NM_006231.4 (MANE Select); 6 bases into the intron after coding-DNA position 1359, T replaced by C.
Molecular consequence: intron variant.
Genome position (GRCh38, 1-based): chr12:132,673,569, A>G on the plus strand (T>C on the coding strand, the complement: POLE is on the minus strand). VCF-style: chr12-132673569-A-G. GRCh37 (hg19) VCF-style: chr12-133250155-A-G.
Identifiers: ClinVar variation 2752488 (VCV002752488.3), dbSNP rs1555228569, ClinGen allele CA2622060333.
Genomic context (GRCh38, chr12:132,673,569, plus strand): 5'-GCTGCTCCGTGGCCATCTGGATGCGTGCACACGGCAGCAGGGGCAGCCGGGATGTGGCTT[A>G]CGTGCCTGGGGCTGCTCCGTGGCCATCCGGCACATGTCCTCCGGGTCTAGCTCCACGGGA-3'

ClinVar aggregate classification (germline): Uncertain significance (1 of 4 stars; one submission).

gnomAD v4.1: 1 of 1,602,230 alleles (0.000062%); highest among the groups gnomAD compares: Non-Finnish European, 0.000085%; no homozygotes.

Submission:

Labcorp Genetics (formerly Invitae), Labcorp
Classification: Uncertain significance. Last evaluated: 2023-08-14. Review status: criteria provided, single submitter. Criteria: Invitae Variant Classification Sherloc (09022015). Collection method: clinical testing. Allele origin: germline.
Comment: This sequence change falls in intron 13 of the POLE gene. It does not directly change the encoded amino acid sequence of the POLE protein. It affects a nucleotide within the consensus splice site. This variant is not present in population databases (gnomAD no frequency). This variant has not been reported in the literature in individuals affected with POLE-related conditions. Variants that disrupt the consensus splice site are a relatively common cause of aberrant splicing (PMID: 17576681, 9536098). Algorithms developed to predict the effect of sequence changes on RNA splicing suggest that this variant may disrupt the consensus splice site. In summary, the available evidence is currently insufficient to determine the role of this variant in disease. Therefore, it has been classified as a Variant of Uncertain Significance.

Literature cited by the submitters: PubMed 17576681; PubMed 9536098.